The following is an entry in ClinVar:

NM_003919.3(SGCE):c.1078C>T (p.His360Tyr)

Genes: CASD1 (CAS1 domain sialic acid O acetyltransferase 1; plus strand), SGCE (sarcoglycan epsilon; minus strand). Cytogenetic location: 7q21.3.
Variant type: single nucleotide variant.
Coding change: c.1078C>T on transcript NM_003919.3 (MANE Select); coding-DNA position 1078, C replaced by T.
Protein change: p.His360Tyr; replaces histidine 360 with tyrosine.
Molecular consequence: missense variant.
Genome position (GRCh38, 1-based): chr7:94,598,950, G>A on the plus strand (C>T on the coding strand, the complement: SGCE is on the minus strand). VCF-style: chr7-94598950-G-A. GRCh37 (hg19) VCF-style: chr7-94228262-G-A.
Other names: c.1051C>T, p.His351Tyr (NM_001099400.2, NM_001346717.2); c.1078C>T, p.His360Tyr (NM_001099401.2); c.955C>T, p.His319Tyr (NM_001301139.2); c.1186C>T, p.His396Tyr (NM_001346713.2); c.1159C>T, p.His387Tyr (NM_001346715.2); c.991C>T, p.His331Tyr (NM_001346719.2); c.805C>T, p.His269Tyr (NM_001346720.2); c.964C>T, p.His322Tyr (NM_001362807.2); and 2 more; short protein forms H319Y, H322Y, H387Y, H396Y, H260Y, H269Y, H310Y, H331Y.
Identifiers: ClinVar variation 1356690 (VCV001356690.8), dbSNP rs2116677287, ClinGen allele CA368229387.

ClinVar aggregate classification (germline): Uncertain significance (1 of 4 stars; one submission).

Conditions:
Myoclonic dystonia 11 (DYT11). Also called: Myoclonic dystonia; Dystonia 11; Dystonia, alcohol responsive; Hereditary essential myoclonus; SGCE Myoclonus-Dystonia; Myoclonus-Dystonia. Identifiers: Orphanet 36899, MedGen C1834570, MONDO:0008044, OMIM 159900.

Submission:

Labcorp Genetics (formerly Invitae), Labcorp
Classification: Uncertain significance for Myoclonic dystonia 11. Last evaluated: 2021-05-27. Review status: criteria provided, single submitter. Criteria: Invitae Variant Classification Sherloc (09022015). Collection method: clinical testing. Allele origin: germline.
Comment: In summary, the available evidence is currently insufficient to determine the role of this variant in disease. Therefore, it has been classified as a Variant of Uncertain Significance. Algorithms developed to predict the effect of missense changes on protein structure and function are either unavailable or do not agree on the potential impact of this missense change (SIFT: "Deleterious"; PolyPhen-2: "Possibly Damaging"; Align-GVGD: "Class C0"). This variant has not been reported in the literature in individuals with SGCE-related conditions. This variant is not present in population databases (ExAC no frequency). This sequence change replaces histidine with tyrosine at codon 360 of the SGCE protein (p.His360Tyr). The histidine residue is highly conserved and there is a moderate physicochemical difference between histidine and tyrosine.